The following is an entry in ClinVar:

ClinVar aggregate classification (germline): Uncertain significance (1 of 4 stars; one submission).

Conditions:
FRAXE. Also called: Intellectual developmental disorder, X-linked 109; Intellectual disability, X-linked, FRAXE type; FRAXE Syndrome; Fragile XE syndrome; FRAXE intellectual disability. Identifiers: Orphanet 100973, MedGen C0751157, MONDO:0010659, OMIM 309548. Disease mechanism: loss of function.

Submission:

Baylor Genetics
Classification: Uncertain significance for FRAXE. Last evaluated: 2020-01-17. Review status: criteria provided, single submitter. Criteria: ACMG Guidelines, 2015. Collection method: clinical testing. Allele origin: unknown. Affected: yes.
Comment: This variant was determined to be of uncertain significance according to ACMG Guidelines, 2015 [PMID:25741868].

NM_002025.4(AFF2):c.3010A>T (p.Thr1004Ser)

Gene: AFF2 (ALF transcription elongation factor 2; plus strand). Cytogenetic location: Xq28.
Variant type: single nucleotide variant.
Coding change: c.3010A>T on transcript NM_002025.4 (MANE Select); coding-DNA position 3010, A replaced by T.
Protein change: p.Thr1004Ser; replaces threonine 1004 with serine.
Molecular consequence: missense variant.
Genome position (GRCh38, 1-based): chrX:148,966,886, A>T. VCF-style: chrX-148966886-A-T. GRCh37 (hg19) VCF-style: chrX-148048416-A-T.
Other names: c.2905A>T, p.Thr969Ser (NM_001169122.2, NM_001169124.2); c.2980A>T, p.Thr994Ser (NM_001169123.2); c.2893A>T, p.Thr965Ser (NM_001169125.2); c.1933A>T, p.Thr645Ser (NM_001170628.1); short protein forms T994S, T645S, T965S, T969S, T1004S.
Identifiers: ClinVar variation 1029403 (VCV001029403.1), dbSNP rs2072183498, ClinGen allele CA414511754.
Genomic context (GRCh38, chrX:148,966,886, plus strand): 5'-ATCACTGTCACCAATACTGCTATTGCCACTGCTACTGTCACTGCTACTGCCATTGTCACC[A>T]CCACTGTCACAGCTACTGCCACCGCCACGGCCACCACCACAACTACTACCACTACCATTT-3'
Protein context (NP_002016.2, residues 994-1014): ATVTATAIVT[Thr1004Ser]TVTATATATA